The following is an entry in ClinVar:

ClinVar aggregate classification (germline): Uncertain significance. Review status: criteria provided, multiple submitters, no conflicts (2 of 4 stars). 2 submissions from 2 submitters: Uncertain significance (2). Last evaluated 2023-10-01.

Conditions:
Retinal dystrophy. Also called: Inherited retinal dystrophy. Identifiers: Orphanet 71862, MedGen C0854723, MeSH D058499, MONDO:0019118, HP:0000556.

Allele frequency attached by ClinVar (database versions not stated): gnomAD 0.00002; gnomAD exomes 0.00002 and 0.00003; ExAC 0.00005; 1000 Genomes Project 30x 0.00016; 1000 Genomes Project 0.00020.
gnomAD v4.1: 24 of 1,594,842 alleles (0.0015%); highest among the groups gnomAD compares: East Asian, 0.018%; no homozygotes.

Submissions (2):

Dept Of Ophthalmology, Nagoya University
Classification: Uncertain significance for Retinal dystrophy. Last evaluated: 2023-10-01. Review status: criteria provided, single submitter. Criteria: Submitter's publication. Collection method: research. Allele origin: germline. Affected: yes.

Labcorp Genetics (formerly Invitae), Labcorp
Classification: Uncertain significance. Last evaluated: 2022-07-19. Review status: criteria provided, single submitter. Criteria: Invitae Variant Classification Sherloc (09022015). Collection method: clinical testing. Allele origin: germline.
Comment: In summary, the available evidence is currently insufficient to determine the role of this variant in disease. Therefore, it has been classified as a Variant of Uncertain Significance. Algorithms developed to predict the effect of missense changes on protein structure and function output the following: SIFT: "Deleterious"; PolyPhen-2: "Benign"; Align-GVGD: "Class C65". The leucine amino acid residue is found in multiple mammalian species, which suggests that this missense change does not adversely affect protein function. ClinVar contains an entry for this variant (Variation ID: 1404900). This variant has not been reported in the literature in individuals affected with PCARE-related conditions. This variant is present in population databases (rs543584326, gnomAD 0.03%). This sequence change replaces proline, which is neutral and non-polar, with leucine, which is neutral and non-polar, at codon 1051 of the PCARE protein (p.Pro1051Leu).

NM_001029883.3(PCARE):c.3152C>T (p.Pro1051Leu)

Gene: PCARE (photoreceptor cilium actin regulator; minus strand). Cytogenetic location: 2p23.2.
Variant type: single nucleotide variant.
Coding change: c.3152C>T on transcript NM_001029883.3 (MANE Select); coding-DNA position 3152, C replaced by T.
Protein change: p.Pro1051Leu; replaces proline 1051 with leucine.
Molecular consequence: missense variant.
Genome position (GRCh38, 1-based): chr2:29,071,110, G>A on the plus strand (C>T on the coding strand, the complement: PCARE is on the minus strand). VCF-style: chr2-29071110-G-A. GRCh37 (hg19) VCF-style: chr2-29293976-G-A.
Other names: short protein forms P1051L.
Identifiers: ClinVar variation 1404900 (VCV001404900.7), dbSNP rs543584326, ClinGen allele CA1592006.